The following is an entry in ClinVar:

NC_000017.10:g.(?_41249241)_(41277500_?)dup

Genes: BRCA1 (BRCA1 DNA repair associated; minus strand), LOC110485084 (BRCA1 intronic recombination region; plus strand), LOC111589215 (BRCA1 promoter region; plus strand), LOC111589216 (BRCA1 intron 2 regulatory region; plus strand). Cytogenetic location: 17q21.31.
Variant type: Duplication.
Identifiers: ClinVar variation 583987 (VCV000583987.4).

ClinVar aggregate classification (germline): Uncertain significance (1 of 4 stars; one submission).

Conditions:
Hereditary breast ovarian cancer syndrome. Also called: Hereditary breast and ovarian cancer syndrome; Hereditary breast and/or ovarian cancer syndrome; Hereditary breast and ovarian cancer syndrome (HBOC); Breast and ovarian cancer; BRCA1- and BRCA2-Associated Hereditary Breast and Ovarian Cancer; Hereditary breast and ovarian cancer. Identifiers: Orphanet 145, MedGen C0677776, MeSH D061325, MONDO:0003582. Disease mechanism: loss of function.

Submission:

Labcorp Genetics (formerly Invitae), Labcorp
Classification: Uncertain significance for Hereditary breast ovarian cancer syndrome. Last evaluated: 2018-05-29. Review status: criteria provided, single submitter. Criteria: Invitae Variant Classification Sherloc (09022015). Collection method: clinical testing. Allele origin: germline.
Comment: In summary, the available evidence is currently insufficient to determine the role of this variant in disease. Therefore, it has been classified as a Variant of Uncertain Significance. This variant has not been reported in the literature in individuals with BRCA1-related disease. This variant results in a copy number gain of the genomic region encompassing exons 1-8 of the BRCA1 gene. The 5' end of this event is unknown as it extends beyond the assayed region for this gene and therefore may encompass additional genes. The 3' boundary is likely confined to intron 8 of the BRCA1 gene. As the precise location of this event is unknown, it may be in tandem or it may be located elsewhere in the genome.